The following is an entry in ClinVar:

ClinVar aggregate classification (germline): Uncertain significance (1 of 4 stars; one submission).

Conditions:
Familial cancer of breast. Also called: BREAST CANCER, FAMILIAL; hereditary breast carcinoma; Hereditary breast cancer. Identifiers: Orphanet 227535, MedGen C0346153, MONDO:0016419, OMIM 114480. Disease mechanism: loss of function.
Fanconi anemia complementation group J. Also called: BRIP1-Related Fanconi Anemia. Identifiers: Orphanet 84, MedGen C1836860, MONDO:0012187, OMIM 609054.

Submission:

Labcorp Genetics (formerly Invitae), Labcorp
Classification: Uncertain significance for Familial cancer of breast; Fanconi anemia complementation group J. Last evaluated: 2021-12-15. Review status: criteria provided, single submitter. Criteria: Invitae Variant Classification Sherloc (09022015). Collection method: clinical testing. Allele origin: germline.
Comment: This sequence change replaces glutamic acid, which is acidic and polar, with glutamine, which is neutral and polar, at codon 74 of the BRIP1 protein (p.Glu74Gln). This variant is not present in population databases (gnomAD no frequency). This variant has not been reported in the literature in individuals affected with BRIP1-related conditions. Algorithms developed to predict the effect of missense changes on protein structure and function are either unavailable or do not agree on the potential impact of this missense change (SIFT: "Tolerated"; PolyPhen-2: "Possibly Damaging"; Align-GVGD: "Class C0"). In summary, the available evidence is currently insufficient to determine the role of this variant in disease. Therefore, it has been classified as a Variant of Uncertain Significance.

NM_032043.3(BRIP1):c.220G>C (p.Glu74Gln)

Gene: BRIP1 (BRCA1 interacting DNA helicase 1; minus strand). Cytogenetic location: 17q23.2.
Variant type: single nucleotide variant.
Coding change: c.220G>C on transcript NM_032043.3 (MANE Select); coding-DNA position 220, G replaced by C.
Protein change: p.Glu74Gln; replaces glutamic acid 74 with glutamine.
Molecular consequence: missense variant.
Genome position (GRCh38, 1-based): chr17:61,857,217, C>G on the plus strand (G>C on the coding strand, the complement: BRIP1 is on the minus strand). VCF-style: chr17-61857217-C-G. GRCh37 (hg19) VCF-style: chr17-59934578-C-G.
Other names: short protein forms E74Q.
Identifiers: ClinVar variation 1397048 (VCV001397048.7), dbSNP rs2145831329, ClinGen allele CA400485602.
Genomic context (GRCh38, chr17:61,857,217, plus strand): 5'-CCTTTGAATGGCATGCACAACAACATGACAATTGTACTTCAGCTTTTTCACTTACGCCCT[C>G]ATCTGCTGGTTTCCCTAAAAATGAAAGAACATCTATTTATAATATATCTAATTAAATAAA-3'
Protein context (NP_114432.2, residues 64-84): QQSLSGKPAD[Glu74Gln]GVSEKAEVQL